The following is an entry in ClinVar:

NM_001291415.2(KDM6A):c.2778C>T (p.Asn926=)

Gene: KDM6A (lysine demethylase 6A; plus strand). Cytogenetic location: Xp11.3.
Variant type: single nucleotide variant.
Coding change: c.2778C>T on transcript NM_001291415.2 (MANE Select); coding-DNA position 2778, C replaced by T.
Protein change: p.Asn926=; no amino-acid change (asparagine 926 retained).
Molecular consequence: synonymous variant. On other transcripts: non-coding transcript variant (1).
Genome position (GRCh38, 1-based): chrX:45,070,277, C>T. VCF-style: chrX-45070277-C-T. GRCh37 (hg19) VCF-style: chrX-44929522-C-T.
Other names: c.2643C>T, p.Asn881= (NM_001291416.2, NM_001419811.1); c.2487C>T, p.Asn829= (NM_001291417.2); c.2385C>T, p.Asn795= (NM_001291418.2, NM_001419815.1); c.1734C>T, p.Asn578= (NM_001291421.2); c.2520C>T, p.Asn840= (NM_001410742.1, NM_001419814.1); c.2778C>T, p.Asn926= (NM_001419809.1); c.2676C>T, p.Asn892= (NM_001419810.1, NM_001419813.1); c.2622C>T, p.Asn874= (NM_001419812.1, NM_021140.4); and 1 more.
Identifiers: ClinVar variation 2779918 (VCV002779918.4), dbSNP rs2148056216, ClinGen allele CA516350037.
Genomic context (GRCh38, chrX:45,070,277, plus strand): 5'-TAATGGAGAAGGGATGGAAGAATCTCAGAGCCCCATGAAAACAGATCTGCTTCTGGTTAA[C>T]CACAAACCTAGTCCACAGATCATACCATCAATGTCTGTGTCCATATACCCCAGCTCAGCA-3'
Protein context (NP_001278344.1, residues 916-936): SPMKTDLLLV[Asn926=]HKPSPQIIPS

ClinVar aggregate classification (germline): Likely benign. Review status: criteria provided, multiple submitters, no conflicts (2 of 4 stars). 2 submissions from 2 submitters: Likely benign (2). Last evaluated 2025-05-08.

Conditions:
KDM6A-related disorder. Also called: KDM6A-related condition.
Kabuki syndrome 2 (KABUK2). Also called: KDM6A-Related Kabuki Syndrome. Identifiers: Orphanet 2322, MedGen C3275495, MONDO:0010465, OMIM 300867.

Allele frequency attached by ClinVar (database versions not stated): gnomAD exomes below 0.00001.

Submissions (2):

PreventionGenetics, part of Exact Sciences
Classification: Likely benign for KDM6A-related condition. Last evaluated: 2025-05-08. Review status: criteria provided, single submitter. Criteria: ACMG Guidelines, 2015. Collection method: clinical testing. Allele origin: germline.
Comment: This variant is classified as likely benign based on ACMG/AMP sequence variant interpretation guidelines (Richards et al. 2015 PMID: 25741868, with internal and published modifications).

Labcorp Genetics (formerly Invitae), Labcorp
Classification: Likely benign for Kabuki syndrome 2. Last evaluated: 2023-12-12. Review status: criteria provided, single submitter. Criteria: Invitae Variant Classification Sherloc (09022015). Collection method: clinical testing. Allele origin: germline.